The following is an entry in ClinVar:

ClinVar aggregate classification (germline): Benign. Review status: criteria provided, multiple submitters, no conflicts (2 of 4 stars). 2 submissions from 2 submitters: Benign (2). Last evaluated 2026-06-01.

Allele frequency attached by ClinVar (database versions not stated): gnomAD 0.00073 and 0.00118; TOPMed 0.00093; 1000 Genomes Project 0.00399; 1000 Genomes Project 30x 0.00468; ExAC 0.04496.
gnomAD v4.1: 1,735 of 1,310,550 alleles (0.13%); highest among the groups gnomAD compares: South Asian, 1.5%; 12 homozygotes.

Submissions (2):

CeGaT Center for Human Genetics Tuebingen
Classification: Benign. Last evaluated: 2026-06-01. Review status: criteria provided, single submitter. Criteria: CeGaT Center For Human Genetics Tuebingen Variant Classification Criteria Version 2. Collection method: clinical testing. Allele origin: germline. Affected: yes. Observed: 5 variant alleles.
Comment: SLC12A2: BS1, BS2

Labcorp Genetics (formerly Invitae), Labcorp
Classification: Benign. Last evaluated: 2026-01-26. Review status: criteria provided, single submitter. Criteria: Invitae Variant Classification Sherloc (09022015). Collection method: clinical testing. Allele origin: germline.

NM_001046.3(SLC12A2):c.156C>G (p.Asp52Glu)

Genes: SLC12A2 (solute carrier family 12 member 2; plus strand), LOC129994526 (ATAC-STARR-seq lymphoblastoid silent region 16295; plus strand). Cytogenetic location: 5q23.3.
Variant type: single nucleotide variant.
Coding change: c.156C>G on transcript NM_001046.3 (MANE Select); coding-DNA position 156, C replaced by G.
Protein change: p.Asp52Glu; replaces aspartic acid 52 with glutamic acid.
Molecular consequence: missense variant. On other transcripts: non-coding transcript variant (1).
Genome position (GRCh38, 1-based): chr5:128,084,110, C>G. VCF-style: chr5-128084110-C-G. GRCh37 (hg19) VCF-style: chr5-127419802-C-G.
Other names: c.156C>G, p.Asp52Glu (NM_001256461.2); short protein forms D52E.
Identifiers: ClinVar variation 1599916 (VCV001599916.24), dbSNP rs540907216, ClinGen allele CA3392746.